The following is an entry in ClinVar:

ClinVar aggregate classification (germline): Likely benign. Review status: criteria provided, multiple submitters, no conflicts (2 of 4 stars). 3 submissions from 3 submitters: Likely benign (2). 1 of the submissions does not count toward it. Last evaluated 2025-07-22.

Conditions:
SOS1-related disorder. Also called: SOS1-related condition.
RASopathy. Also called: rasopathies; Noonan spectrum disorder. Identifiers: Orphanet 536391, MedGen C5555857, MONDO:0021060.

Allele frequency attached by ClinVar (database versions not stated): TOPMed 0.00002; gnomAD exomes 0.00006; ESP Exome Variant Server 0.00008; ExAC 0.00013.
gnomAD v4.1: 44 of 1,477,078 alleles (0.003%); highest among the groups gnomAD compares: Non-Finnish European, 0.0037%; no homozygotes.

Submissions (3):

Labcorp Genetics (formerly Invitae), Labcorp
Classification: Likely benign for RASopathy. Last evaluated: 2025-07-22. Review status: criteria provided, single submitter. Criteria: Invitae Variant Classification Sherloc (09022015). Collection method: clinical testing. Allele origin: germline.

Blueprint Genetics
Classification: Likely benign. Last evaluated: 2024-08-12. Review status: criteria provided, single submitter. Criteria: ACMG Guidelines, 2015. Collection method: clinical testing. Allele origin: germline.

PreventionGenetics, part of Exact Sciences
Classification: Likely benign for SOS1-related condition. Last evaluated: 2021-08-11. Review status: no assertion criteria provided. Collection method: clinical testing. Allele origin: germline. Not counted in ClinVar's aggregate classification.
Comment: This variant is classified as likely benign based on ACMG/AMP sequence variant interpretation guidelines (Richards et al. 2015 PMID: 25741868, with internal and published modifications).

NM_005633.4(SOS1):c.720+9C>T

Gene: SOS1 (SOS Ras/Rac guanine nucleotide exchange factor 1; minus strand). Cytogenetic location: 2p22.1.
Variant type: single nucleotide variant.
Coding change: c.720+9C>T on transcript NM_005633.4 (MANE Select); 9 bases into the intron after coding-DNA position 720, C replaced by T.
Molecular consequence: intron variant.
Genome position (GRCh38, 1-based): chr2:39,054,605, G>A on the plus strand (C>T on the coding strand, the complement: SOS1 is on the minus strand). VCF-style: chr2-39054605-G-A. GRCh37 (hg19) VCF-style: chr2-39281746-G-A.
Other names: c.699+9C>T (NM_001382394.1); c.720+9C>T (NM_001382395.1).
Identifiers: ClinVar variation 240198 (VCV000240198.13), dbSNP rs370687707, ClinGen allele CA1624744.